The following is an entry in ClinVar:

ClinVar aggregate classification (germline): Pathogenic/Likely pathogenic. Review status: criteria provided, multiple submitters, no conflicts (2 of 4 stars). 13 submissions from 13 submitters: Pathogenic (9); Likely pathogenic (2). 2 of the submissions do not count toward it. Last evaluated 2025-02-16.

Conditions:
FANCA-related disorders.
Fanconi anemia (FA). Also called: Fanconi's anemia. Identifiers: Orphanet 84, MedGen C0015625, MeSH D005199, MONDO:0019391.
Fanconi anemia complementation group A (FANCA). Also called: Fanconi anemia, group A; FANCA-Related Fanconi Anemia. Identifiers: Orphanet 84, MedGen C3469521, MONDO:0009215, OMIM 227650.

Allele frequency attached by ClinVar (database versions not stated): TOPMed below 0.00001; gnomAD exomes 0.00001; gnomAD 0.00002.

Submissions (13):

Laboratory of Genetics, Children's Clinical University Hospital Latvia
Classification: Pathogenic. Last evaluated: 2025-02-16. Review status: criteria provided, single submitter. Criteria: ACMG Guidelines, 2015. Collection method: clinical testing. Allele origin: germline. Affected: yes.

Labcorp Genetics (formerly Invitae), Labcorp
Classification: Pathogenic for Fanconi anemia. Last evaluated: 2024-12-10. Review status: criteria provided, single submitter. Criteria: Invitae Variant Classification Sherloc (09022015). Collection method: clinical testing. Allele origin: germline.
Comment: This sequence change affects a donor splice site in intron 28 of the FANCA gene. RNA analysis indicates that disruption of this splice site induces altered splicing and likely results in a shortened protein product. This variant is present in population databases (no rsID available, gnomAD 0.01%). Disruption of this splice site has been observed in individuals with Fanconi anemia (PMID: 23067021, 24584348, 29098742). ClinVar contains an entry for this variant (Variation ID: 635518). Studies have shown that disruption of this splice site results in skipping of exon 28, but is expected to preserve the integrity of the reading-frame (PMID: 24584348). For these reasons, this variant has been classified as Pathogenic.

GeneDx
Classification: Pathogenic. Last evaluated: 2024-10-28. Review status: criteria provided, single submitter. Criteria: GeneDx Variant Classification Process June 2021. Collection method: clinical testing. Allele origin: germline.
Comment: Canonical splice site variant predicted to result in an in-frame loss of the adjacent exon in a gene for which loss of function is a known mechanism of disease; This variant is associated with the following publications: (PMID: 29753700, 29098742, 24584348, 36463940)

Natera, Inc.
Classification: Pathogenic for Fanconi anemia. Last evaluated: 2024-10-28. Review status: criteria provided, single submitter. Criteria: Natera Variant Classification Schema (03/2026). Collection method: clinical testing. Allele origin: germline.
Comment: The c.2778+1G>A variant in FANCA is a canonical splice donor site variant predicted to affect pre-mRNA splicing, which may result in an abnormal transcript and altered protein product. This variant is expected to result in nonsense mediated decay, truncation, or a dysfunctional protein product. This variant is rare in the general population with a frequency below the threshold expected for the associated phenotype(s). This variant has been observed in one or more individuals affected with the associated recessive disease, as either homozygous or compound heterozygous with a second variant (PMID: 29098742, 24584348, 36463940). Given the available evidence, this variant is classified as Pathogenic.

Women's Health and Genetics/Laboratory Corporation of America, LabCorp
Classification: Pathogenic for Fanconi anemia. Last evaluated: 2024-06-03. Review status: criteria provided, single submitter. Criteria: LabCorp Variant Classification Summary - May 2015. Collection method: clinical testing. Allele origin: germline.
Comment: Variant summary: FANCA c.2778+1G>A is located in a canonical splice-site and is predicted to affect mRNA splicing resulting in a significantly altered protein due to either exon skipping, shortening, or inclusion of intronic material. Several computational tools predict a significant impact on normal splicing: Four predict the variant abolishes a 5' splicing donor site. However, these predictions have yet to be confirmed by functional studies. The variant was absent in 251436 control chromosomes (gnomAD). c.2778+1G>A has been reported in the literature in individuals affected with Fanconi Anemia (De Rocco_2014, Chang_2022). These data indicate that the variant is likely to be associated with disease. To our knowledge, no experimental evidence demonstrating an impact on protein function has been reported. The following publications have been ascertained in the context of this evaluation (PMID: 36463940, 24584348, 29753700). ClinVar contains an entry for this variant (Variation ID: 635518). Based on the evidence outlined above, the variant was classified as pathogenic.

Baylor Genetics
Classification: Pathogenic for Fanconi anemia complementation group A. Last evaluated: 2024-03-27. Review status: criteria provided, single submitter. Criteria: ACMG Guidelines, 2015. Collection method: clinical testing. Allele origin: unknown.

Fulgent Genetics
Classification: Likely pathogenic for Fanconi anemia complementation group A. Last evaluated: 2024-03-14. Review status: criteria provided, single submitter. Criteria: ACMG Guidelines, 2015. Collection method: clinical testing. Allele origin: germline.

Quest Diagnostics Nichols Institute San Juan Capistrano
Classification: Likely pathogenic. Last evaluated: 2023-10-23. Review status: criteria provided, single submitter. Criteria: Quest Diagnostics criteria. Collection method: clinical testing. Allele origin: unknown.
Comment: The FANCA c.2778+1G>A variant disrupts a canonical splice-donor site and is predicted to interfere with normal FANCA mRNA splicing. This variant has been reported in the published literature in Fanconi anemia (PMIDs: 29098742 (2018), 24584348 (2014), 23067021 (2013)). The frequency of this variant in the general population, 0.000064 (2/31398 chromosomes (Genome Aggregation Database)), is consistent with pathogenicity. Based on the available information, this variant is classified as likely pathogenic.

CeGaT Center for Human Genetics Tuebingen
Classification: Pathogenic. Last evaluated: 2023-06-01. Review status: criteria provided, single submitter. Criteria: CeGaT Center For Human Genetics Tuebingen Variant Classification Criteria Version 2. Collection method: clinical testing. Allele origin: germline. Affected: yes. Observed: 1 variant allele.
Comment: FANCA: PVS1, PM2, PS3:Moderate

Blueprint Genetics
Classification: Pathogenic for FANCA-related disorders. Last evaluated: 2022-02-02. Review status: criteria provided, single submitter. Criteria: ACMG Guidelines, 2015. Collection method: clinical testing. Allele origin: germline. Affected: yes. Observed: 5 variant alleles.

Victorian Clinical Genetics Services, Murdoch Childrens Research Institute
Classification: Pathogenic for Fanconi anemia complementation group A. Last evaluated: 2022-02-02. Review status: criteria provided, single submitter. Criteria: ACMG Guidelines, 2015. Collection method: clinical testing. Allele origin: germline. Inheritance: Autosomal recessive inheritance. Affected: yes.
Comment: Based on the classification scheme VCGS_Germline_v1.3.4, this variant is classified as Pathogenic. Following criteria are met: 0102 - Loss of function is a known mechanism of disease in this gene and is associated with Fanconi anemia of complementation group A (MIM#227650). (I) 0106 - This gene is associated with autosomal recessive disease. (I) 0211 - Canonical splice site variant without proven consequence on splicing (no functional evidence available). (SP) 0251 - This variant is heterozygous. (I) 0304 - Variant is present in gnomAD <0.01 for a recessive condition (v3: 3 heterozygotes, 0 homozygotes). (SP) 0311 - An alternative nucleotide change at the same canonical splice site, is present in gnomAD (v2) at a frequency of 0.00000398 (c.2778+1G>T: 1 heterozygote, 0 homozygotes). (SB) 0508 - In silico predictions for abnormal splicing are inconclusive. While NetGene2 predicted a loss of the WT donor site, Fruitfly did not predict the presence of a WT donor site. It should also be noted that the affected nucleotide is highly conserved. (I) 0702 - Other canonical splice variants comparable to the one identified in this case have strong previous evidence for pathogenicity. The c.2778+1G>C variant was identified in one individual with Fanconi anemia-associated bone marrow failure and classified as pathogenic by one clinical diagnostic laboratory, while c.2778+1G>T was reported in one individual with Fanconi anemia (PMIDs: 23067021, 28717661, ClinVar). Additionally, c.2778+2T>C was identified in one individual with Fanconi anemia and has been classified as likely pathogenic and pathogenic by two clinical diagnostic laboratories (PMID: 31558676, ClinVar). (SP) 0802 - This variant has moderate previous evidence of pathogenicity in unrelated individuals. This variant has been reported as compound heterozygous in two individuals with Fanconi anemia and has been classified as pathogenic by clinical diagnostic laboratories (PMIDs: 24584348, 29098742, ClinVar). (SP) 0905 - No published segregation evidence has been identified for this variant. (I) 1007 - No published functional evidence has been identified for this variant. (I) 1208 - Inheritance information for this variant is not currently available in this individual. (I) Legend: (SP) - Supporting pathogenic, (I) - Information, (SB) - Supporting benign

Leiden Open Variation Database
Classification: Uncertain significance for Fanconi anemia complementation group A. Last evaluated: 2020-02-28. Review status: no assertion criteria provided. Collection method: curation. Allele origin: germline. Affected: yes. Not counted in ClinVar's aggregate classification.
Comment: Curator: Arleen D. Auerbach. Submitter to LOVD: Arleen D. Auerbach.

Bioscientia Institut fuer Medizinische Diagnostik GmbH, Sonic Healthcare
Classification: Pathogenic for Fanconi anemia complementation group A. Last evaluated: 2018-11-23. Review status: no assertion criteria provided. Collection method: clinical testing. Allele origin: germline. Affected: yes. Not counted in ClinVar's aggregate classification.

Literature cited by the submitters: PubMed 23067021 (cited by 3 submitters); PubMed 24584348 (cited by 5 submitters); PubMed 29098742 (cited by 4 submitters); PubMed 36463940 (cited by Natera, Inc. and Women's Health and Genetics/Laboratory Corporation of America, LabCorp); PubMed 29753700 (cited by Women's Health and Genetics/Laboratory Corporation of America, LabCorp); PubMed 28717661 (cited by Victorian Clinical Genetics Services, Murdoch Childrens Research Institute); PubMed 31558676 (cited by Victorian Clinical Genetics Services, Murdoch Childrens Research Institute).

NM_000135.4(FANCA):c.2778+1G>A

Gene: FANCA (FA complementation group A; minus strand). Cytogenetic location: 16q24.3.
Variant type: single nucleotide variant.
Coding change: c.2778+1G>A on transcript NM_000135.4 (MANE Select); the canonical splice donor site of the intron after coding-DNA position 2778, G replaced by A.
Molecular consequence: splice donor variant.
Genome position (GRCh38, 1-based): chr16:89,764,889, C>T on the plus strand (G>A on the coding strand, the complement: FANCA is on the minus strand). VCF-style: chr16-89764889-C-T. GRCh37 (hg19) VCF-style: chr16-89831297-C-T.
Other names: c.2778+1G>A (NM_001286167.3, NM_000135.3).
Identifiers: ClinVar variation 635518 (VCV000635518.52), dbSNP rs140180549, ClinGen allele CA397437786.